The following is an entry in ClinVar:

ClinVar aggregate classification (germline): Pathogenic (1 of 4 stars; one submission).

Submission:

GeneDx
Classification: Pathogenic. Last evaluated: 2022-01-21. Review status: criteria provided, single submitter. Criteria: GeneDx Variant Classification Process June 2021. Collection method: clinical testing. Allele origin: germline. Affected: yes.
Comment: Not observed at significant frequency in large population cohorts (gnomAD); Nonsense variant predicted to result in protein truncation or nonsense mediated decay in a gene for which loss-of-function is a known mechanism of disease; This variant is associated with the following publications: (PMID: 25525159, 31402444, 21193976)

NM_004415.4(DSP):c.3901C>T (p.Gln1301Ter)

Gene: DSP (desmoplakin; plus strand). Cytogenetic location: 6p24.3.
Variant type: single nucleotide variant.
Coding change: c.3901C>T on transcript NM_004415.4 (MANE Select); coding-DNA position 3901, C replaced by T.
Protein change: p.Gln1301Ter; replaces glutamine 1301 with a stop codon.
Molecular consequence: nonsense. On other transcripts: intron variant (1).
Genome position (GRCh38, 1-based): chr6:7,580,091, C>T. VCF-style: chr6-7580091-C-T. GRCh37 (hg19) VCF-style: chr6-7580324-C-T.
Other names: c.3901C>T, p.Gln1301Ter (NM_001319034.2); c.3582+319C>T (NM_001008844.3); short protein forms Q1301*.
Identifiers: ClinVar variation 1698278 (VCV001698278.2), dbSNP rs1449629687, ClinGen allele CA362685105.